The following is an entry in ClinVar:

NM_007294.4(BRCA1):c.5205A>T (p.Glu1735Asp)

Gene: BRCA1 (BRCA1 DNA repair associated; minus strand). Cytogenetic location: 17q21.31.
Variant type: single nucleotide variant.
Coding change: c.5205A>T on transcript NM_007294.4 (MANE Select); coding-DNA position 5205, A replaced by T.
Protein change: p.Glu1735Asp; replaces glutamic acid 1735 with aspartic acid.
Molecular consequence: missense variant. On other transcripts: non-coding transcript variant (1).
Genome position (GRCh38, 1-based): chr17:43,057,124, T>A on the plus strand (A>T on the coding strand, the complement: BRCA1 is on the minus strand). VCF-style: chr17-43057124-T-A. GRCh37 (hg19) VCF-style: chr17-41209141-T-A.
Other names: 5324A>T; c.5064A>T, p.Glu1688Asp (NM_007297.4, NM_001407725.1, NM_001407726.1 and 13 more transcripts); c.1893A>T, p.Glu631Asp (NM_007298.4, NM_007299.4, NM_007304.2 and 13 more transcripts); c.5268A>T, p.Glu1756Asp (NM_007300.4, NM_001407583.1, NM_001407585.1 and 1 more transcripts); c.4992A>T, p.Glu1664Asp (NM_001407571.1, NM_001407894.1, NM_001407895.1 and 12 more transcripts); c.5271A>T, p.Glu1757Asp (NM_001407581.1, NM_001407582.1); c.5265A>T, p.Glu1755Asp (NM_001407590.1, NM_001407591.1); c.5205A>T, p.Glu1735Asp (NM_001407593.1, NM_001407594.1, NM_001407596.1 and 7 more transcripts); and 73 more; short protein forms E1735D, E1688D, E1756D, E631D, E1438D, E1608D, E1665D, E1666D.
Identifiers: ClinVar variation 96943 (VCV000096943.14), dbSNP rs431825412, ClinGen allele CA003354.
Genomic context (GRCh38, chr17:43,057,124, plus strand): 5'-GGATTCTCTTGCTCGCTTTGGACCTTGGTGGTTTCTTCCATTGACCACATCTCCTCTGAC[T>A]TCAAAATCATGCTGAAAGAAACCAAACACAACCCATCAGGATAAGAGAAAGAGAAGCTTC-3'
Protein context (NP_009225.1, residues 1725-1745): ERKMLNEHDF[Glu1735Asp]VRGDVVNGRN

ClinVar aggregate classification (germline): Conflicting classifications of pathogenicity. Review status: criteria provided, conflicting classifications (1 of 4 stars). 3 submissions from 3 submitters: Likely pathogenic (1); Uncertain significance (1). 1 of the submissions does not count toward it. Last evaluated 2025-05-27.

Conditions:
Hereditary cancer-predisposing syndrome. Also called: Hereditary Cancer Syndrome; Neoplastic Syndromes, Hereditary; Hereditary neoplastic syndrome; Tumor predisposition. Identifiers: Orphanet 140162, MedGen C0027672, MeSH D009386, MONDO:0015356.
Breast-ovarian cancer, familial, susceptibility to, 1 (BROVCA1). Also called: BRCA1 Hereditary Breast and Ovarian Cancer; OVARIAN CANCER, SUSCEPTIBILITY TO. Identifiers: Orphanet 145, MedGen C2676676, MONDO:0011450, OMIM 604370. Disease mechanism: loss of function.
Hereditary breast ovarian cancer syndrome. Also called: Hereditary breast and/or ovarian cancer syndrome; Hereditary breast and ovarian cancer syndrome; Hereditary breast and ovarian cancer; Hereditary breast and ovarian cancer syndrome (HBOC); Breast and ovarian cancer; BRCA1- and BRCA2-Associated Hereditary Breast and Ovarian Cancer. Identifiers: Orphanet 145, MedGen C0677776, MeSH D061325, MONDO:0003582. Disease mechanism: loss of function.

Submissions (4):

Labcorp Genetics (formerly Invitae), Labcorp
Classification: Uncertain significance for Hereditary breast ovarian cancer syndrome. Last evaluated: 2025-05-27. Review status: criteria provided, single submitter. Criteria: Invitae Variant Classification Sherloc (09022015). Collection method: clinical testing. Allele origin: germline.
Comment: This sequence change replaces glutamic acid, which is acidic and polar, with aspartic acid, which is acidic and polar, at codon 1735 of the BRCA1 protein (p.Glu1735Asp). This variant is not present in population databases (gnomAD no frequency). This variant has not been reported in the literature in individuals affected with BRCA1-related conditions. ClinVar contains an entry for this variant (Variation ID: 96943). Invitae Evidence Modeling incorporating data from in vitro experimental studies (PMID: 30209399) indicates that this missense variant is expected to disrupt BRCA1 function with a positive predictive value of 95%. Experimental studies have shown that this missense change affects BRCA1 function (PMID: 30209399). In summary, the available evidence is currently insufficient to determine the role of this variant in disease. Therefore, it has been classified as a Variant of Uncertain Significance.

Ambry Genetics
Classification: Likely pathogenic for Hereditary cancer-predisposing syndrome. Last evaluated: 2024-12-11. Review status: criteria provided, single submitter. Criteria: Ambry Variant Classification Scheme 2023. Collection method: clinical testing. Allele origin: germline.
Comment: The p.E1735D variant (also known as c.5205A>T), located in coding exon 18 of the BRCA1 gene, results from an A to T substitution at nucleotide position 5205. The glutamic acid at codon 1735 is replaced by aspartic acid, an amino acid with highly similar properties. One functional study found that this nucleotide substitution is non-functional in a high throughput genome editing haploid cell survival assay (Findlay GM et al. Nature, 2018 Oct;562:217-222). This amino acid position is highly conserved in available vertebrate species. In addition, this alteration is predicted to be deleterious by in silico analysis. Based on the majority of available evidence to date, this variant is likely to be pathogenic.

Sharing Clinical Reports Project (SCRP)
Classification: Uncertain significance for Breast-ovarian cancer, familial 1. Last evaluated: 2008-03-19. Review status: no assertion criteria provided. Collection method: clinical testing. Allele origin: germline. Not counted in ClinVar's aggregate classification.

Brotman Baty Institute, University of Washington
No classification provided (evidence only). Condition: Breast-ovarian cancer, familial 1. Review status: no classification provided. Collection method: in vitro. Allele origin: not applicable. Functional consequence: functionally_abnormal. Not counted in ClinVar's aggregate classification.
ClinVar note: "not provided" was previously submitted as the classification for the variant. However, the classification appeared to be based only on an observation of functional data so it was converted to no classification on 2025-07-30.

Literature cited by the submitters: PubMed 30209399 (cited by Labcorp Genetics (formerly Invitae), Labcorp and Ambry Genetics).